The following is an entry in ClinVar:

ClinVar aggregate classification (germline): Uncertain significance. Review status: criteria provided, multiple submitters, no conflicts (2 of 4 stars). 2 submissions from 2 submitters: Uncertain significance (2). Last evaluated 2025-07-27.

Submissions (2):

Labcorp Genetics (formerly Invitae), Labcorp
Classification: Uncertain significance. Last evaluated: 2025-07-27. Review status: criteria provided, single submitter. Criteria: Invitae Variant Classification Sherloc (09022015). Collection method: clinical testing. Allele origin: germline.
Comment: This sequence change replaces alanine, which is neutral and non-polar, with valine, which is neutral and non-polar, at codon 323 of the NAF1 protein (p.Ala323Val). This variant is present in population databases (rs746565368, gnomAD 0.003%). This variant has not been reported in the literature in individuals affected with NAF1-related conditions. ClinVar contains an entry for this variant (Variation ID: 3917086). An algorithm developed to predict the effect of missense changes on protein structure and function (PolyPhen-2) suggests that this variant is likely to be disruptive. In summary, the available evidence is currently insufficient to determine the role of this variant in disease. Therefore, it has been classified as a Variant of Uncertain Significance.

Ambry Genetics
Classification: Uncertain significance. Last evaluated: 2025-06-08. Review status: criteria provided, single submitter. Criteria: Ambry Variant Classification Scheme 2023. Collection method: clinical testing. Allele origin: germline.

NM_138386.3(NAF1):c.968C>T (p.Ala323Val)

Gene: NAF1 (nuclear assembly factor 1 ribonucleoprotein; minus strand). Cytogenetic location: 4q32.2.
Variant type: single nucleotide variant.
Coding change: c.968C>T on transcript NM_138386.3 (MANE Select); coding-DNA position 968, C replaced by T.
Protein change: p.Ala323Val; replaces alanine 323 with valine.
Molecular consequence: missense variant.
Genome position (GRCh38, 1-based): chr4:163,133,219, G>A on the plus strand (C>T on the coding strand, the complement: NAF1 is on the minus strand). VCF-style: chr4-163133219-G-A. GRCh37 (hg19) VCF-style: chr4-164054371-G-A.
Other names: c.968C>T, p.Ala323Val (NM_001128931.2); short protein forms A323V.
Identifiers: ClinVar variation 3917086 (VCV003917086.2).